The following is an entry in ClinVar:

NM_000548.5(TSC2):c.5177A>T (p.His1726Leu)

Gene: TSC2 (TSC complex subunit 2; plus strand). Cytogenetic location: 16p13.3.
Variant type: single nucleotide variant.
Coding change: c.5177A>T on transcript NM_000548.5 (MANE Select); coding-DNA position 5177, A replaced by T.
Protein change: p.His1726Leu; replaces histidine 1726 with leucine.
Molecular consequence: missense variant. On other transcripts: non-coding transcript variant (5).
Genome position (GRCh38, 1-based): chr16:2,088,243, A>T. VCF-style: chr16-2088243-A-T. GRCh37 (hg19) VCF-style: chr16-2138244-A-T.
Other names: c.4976A>T, p.His1659Leu (NM_001077183.3); c.5108A>T, p.His1703Leu (NM_001114382.3); c.4868A>T, p.His1623Leu (NM_001318827.2); c.4832A>T, p.His1611Leu (NM_001318829.2); c.4445A>T, p.His1482Leu (NM_001318831.2); c.5009A>T, p.His1670Leu (NM_001318832.2); c.4979A>T, p.His1660Leu (NM_001363528.2); c.5045A>T, p.His1682Leu (NM_001370404.1); and 27 more; short protein forms H1125L, H1211L, H1212L, H1234L, H1235L, H1255L, H1459L, H1460L.
Identifiers: ClinVar variation 2505031 (VCV002505031.2), dbSNP rs1555440475, ClinGen allele CA394314059.
Genomic context (GRCh38, chr16:2,088,243, plus strand): 5'-AGGTGCCACCTGATAGTGAGCTCACCCCCTGCCTACGTCCCCAGATGGCCTCACAGGTGC[A>T]TCATAGCCGCTCCAACCCCACCGATATCTACCCCTCCAAGTGGATTGCCCGGCTCCGCCA-3'
Protein context (NP_000539.2, residues 1716-1736): ALHANMASQV[His1726Leu]HSRSNPTDIY

ClinVar aggregate classification (germline): Uncertain significance. Review status: criteria provided, multiple submitters, no conflicts (2 of 4 stars). 2 submissions from 2 submitters: Uncertain significance (2). Last evaluated 2026-07-30.

Conditions:
Hereditary cancer-predisposing syndrome. Also called: Hereditary Cancer Syndrome; Hereditary neoplastic syndrome; Neoplastic Syndromes, Hereditary; Tumor predisposition. Identifiers: Orphanet 140162, MedGen C0027672, MeSH D009386, MONDO:0015356.

Submissions (2):

Ambry Genetics
Classification: Uncertain significance for Hereditary cancer-predisposing syndrome. Last evaluated: 2026-07-30. Review status: criteria provided, single submitter. Criteria: Ambry Variant Classification Scheme 2023. Collection method: clinical testing. Allele origin: germline.
Comment: The p.H1726L variant (also known as c.5177A>T), located in coding exon 40 of the TSC2 gene, results from an A to T substitution at nucleotide position 5177. The histidine at codon 1726 is replaced by leucine, an amino acid with similar properties. This amino acid position is highly conserved in available vertebrate species. In addition, this alteration is predicted to be deleterious by in silico analysis. Based on the available evidence, the clinical significance of this variant remains unclear.

GeneDx
Classification: Uncertain significance. Last evaluated: 2022-12-08. Review status: criteria provided, single submitter. Criteria: GeneDx Variant Classification Process June 2021. Collection method: clinical testing. Allele origin: germline. Affected: yes.
Comment: Not observed at significant frequency in large population cohorts (gnomAD); In silico analysis supports that this missense variant has a deleterious effect on protein structure/function; Has not been previously published as pathogenic or benign to our knowledge